The following is an entry in ClinVar:

ClinVar aggregate classification (germline): Uncertain significance (1 of 4 stars; one submission).

Allele frequency attached by ClinVar (database versions not stated): gnomAD 0.00001; ExAC 0.00003; TOPMed 0.00003; ESP Exome Variant Server 0.00008.
gnomAD v4.1: 29 of 1,614,106 alleles (0.0018%); highest among the groups gnomAD compares: East Asian, 0.0045%; no homozygotes.

Submission:

Labcorp Genetics (formerly Invitae), Labcorp
Classification: Uncertain significance. Last evaluated: 2022-03-11. Review status: criteria provided, single submitter. Criteria: Invitae Variant Classification Sherloc (09022015). Collection method: clinical testing. Allele origin: germline.
Comment: This sequence change replaces arginine, which is basic and polar, with glutamine, which is neutral and polar, at codon 308 of the DTNBP1 protein (p.Arg308Gln). This variant is present in population databases (rs374085686, gnomAD 0.004%). This variant has not been reported in the literature in individuals affected with DTNBP1-related conditions. Algorithms developed to predict the effect of missense changes on protein structure and function output the following: SIFT: "Tolerated"; PolyPhen-2: "Benign"; Align-GVGD: "Class C0". The glutamine amino acid residue is found in multiple mammalian species, which suggests that this missense change does not adversely affect protein function. In summary, the available evidence is currently insufficient to determine the role of this variant in disease. Therefore, it has been classified as a Variant of Uncertain Significance.

NM_032122.5(DTNBP1):c.923G>A (p.Arg308Gln)

Gene: DTNBP1 (dystrobrevin binding protein 1; minus strand). Cytogenetic location: 6p22.3.
Variant type: single nucleotide variant.
Coding change: c.923G>A on transcript NM_032122.5 (MANE Select); coding-DNA position 923, G replaced by A.
Protein change: p.Arg308Gln; replaces arginine 308 with glutamine.
Molecular consequence: missense variant.
Genome position (GRCh38, 1-based): chr6:15,523,108, C>T on the plus strand (G>A on the coding strand, the complement: DTNBP1 is on the minus strand). VCF-style: chr6-15523108-C-T. GRCh37 (hg19) VCF-style: chr6-15523339-C-T.
Other names: c.680G>A, p.Arg227Gln (NM_001271667.2, NM_183041.1); c.872G>A, p.Arg291Gln (NM_001271668.2); c.818G>A, p.Arg273Gln (NM_001271669.2); short protein forms R227Q, R273Q, R308Q, R291Q.
Identifiers: ClinVar variation 2074320 (VCV002074320.1), dbSNP rs374085686, ClinGen allele CA3643689.
Genomic context (GRCh38, chr6:15,523,108, plus strand): 5'-ACCTGAACTTCCTCCTCATCGGACTGAACAACGGGGGACTCCCCACCCTCACTGATGTCC[C>T]GGGTGGCCGAGTCGGTGCAGGTGGAGGAAGAAGAAGGTGGCTTGGCTCTTAATTCTGAGG-3'
Protein context (NP_115498.2, residues 298-318): SSSTCTDSAT[Arg308Gln]DISEGGESPV